The following is an entry in ClinVar:

ClinVar aggregate classification (germline): Benign. Review status: criteria provided, single submitter (1 of 4 stars). 2 submissions from 2 submitters: Benign (1). 1 of the submissions does not count toward it. Last evaluated 2024-11-01.

Conditions:
TNFRSF1A-related disorder. Also called: TNFRSF1A-related condition.

Submissions (2):

CeGaT Center for Human Genetics Tuebingen
Classification: Benign. Last evaluated: 2024-11-01. Review status: criteria provided, single submitter. Criteria: CeGaT Center For Human Genetics Tuebingen Variant Classification Criteria Version 2. Collection method: clinical testing. Allele origin: germline. Affected: yes. Observed: 1 variant allele.
Comment: TNFRSF1A: BS1, BS2

PreventionGenetics, part of Exact Sciences
Classification: Likely benign for TNFRSF1A-related condition. Last evaluated: 2023-03-14. Review status: no assertion criteria provided. Collection method: clinical testing. Allele origin: germline. Not counted in ClinVar's aggregate classification.
Comment: This variant is classified as likely benign based on ACMG/AMP sequence variant interpretation guidelines (Richards et al. 2015 PMID: 25741868, with internal and published modifications).

NM_001065.4(TNFRSF1A):c.551+1064_551+1068del

Gene: TNFRSF1A (TNF receptor superfamily member 1A; minus strand). Cytogenetic location: 12p13.31.
Variant type: Deletion.
Coding change: c.551+1064_551+1068del on transcript NM_001065.4 (MANE Select); bases 1064 to 1068 of the intron after coding-DNA position 551, 5 bases deleted (TTTTT; older notation c.551+1064_551+1068delTTTTT).
Molecular consequence: intron variant.
Genome position (GRCh38, 1-based): chr12:6,332,001-6,332,005, AAAAA deleted on the plus strand (TTTTT on the coding strand, the reverse complement: TNFRSF1A is on the minus strand); deleting any 5 consecutive bases within chr12:6,332,001-6,332,024 gives the same sequence; the c. name uses the placement nearest the transcript's 3' end. VCF-style (leftmost placement, unchanged base first): chr12-6332000-CAAAAA-C. GRCh37 (hg19) VCF-style: chr12-6441166-CAAAAA-C.
Other names: c.227+1064_227+1068del (NM_001346091.2); c.-26-12_-26-8del (NM_001346092.2).
Identifiers: ClinVar variation 3033208 (VCV003033208.16), dbSNP rs750532640, ClinGen allele CA690828532.